The following is an entry in ClinVar:

ClinVar aggregate classification (germline): Uncertain significance (1 of 4 stars; one submission).

Conditions:
Maturity-onset diabetes of the young type 8 (MODY8). Also called: DIABETES-PANCREATIC EXOCRINE DYSFUNCTION SYNDROME; DIABETES AND PANCREATIC EXOCRINE DYSFUNCTION. Identifiers: Orphanet 552, MedGen C1853297, MONDO:0012348, OMIM 609812.

gnomAD v4.1: 8 of 865,876 alleles (0.00092%); highest among the groups gnomAD compares: African/African-American, 0.009%; no homozygotes.

Submission:

Clinical Genomics Laboratory, Washington University in St. Louis
Classification: Uncertain significance for Maturity-onset diabetes of the young type 8. Last evaluated: 2025-06-10. Review status: criteria provided, single submitter. Criteria: ACMG Guidelines, 2015. Collection method: clinical testing. Allele origin: germline.
Comment: The CEL c.2029G>A (p.Gly677Arg) variant, to our knowledge, has not been reported in the medical literature. This variant is absent in the general population (gnomAD v2.1.1), indicating it is not a common variant. Computational predictors suggest that the variant does not impact CEL function. Due to limited information, and based on ACMG/AMP guidelines for variant interpretation (Richards S et al., PMID: 25741868), the clinical significance of the CEL c.2029G>A (p.Gly677Arg) variant is uncertain at this time.

NM_001807.6(CEL):c.2029G>A (p.Gly677Arg)

Gene: CEL (carboxyl ester lipase; plus strand). Cytogenetic location: 9q34.13.
Variant type: single nucleotide variant.
Coding change: c.2029G>A on transcript NM_001807.6 (MANE Select); coding-DNA position 2029, G replaced by A.
Protein change: p.Gly677Arg; replaces glycine 677 with arginine.
Molecular consequence: missense variant.
Genome position (GRCh38, 1-based): chr9:133,071,531, G>A. VCF-style: chr9-133071531-G-A. GRCh37 (hg19) VCF-style: chr9-135946918-G-A.
Other names: short protein forms G677R.
Identifiers: ClinVar variation 4279797 (VCV004279797.1).